The following is an entry in ClinVar:

NM_000540.3(RYR1):c.1673-30C>T

Gene: RYR1 (ryanodine receptor 1; plus strand). Cytogenetic location: 19q13.2.
Variant type: single nucleotide variant.
Coding change: c.1673-30C>T on transcript NM_000540.3 (MANE Select); 30 bases into the intron before coding-DNA position 1673, C replaced by T.
Molecular consequence: intron variant.
Genome position (GRCh38, 1-based): chr19:38,455,603, C>T. VCF-style: chr19-38455603-C-T. GRCh37 (hg19) VCF-style: chr19-38946243-C-T.
Other names: c.1673-30C>T (NM_001042723.2).
Identifiers: ClinVar variation 590485 (VCV000590485.4), dbSNP rs368722580, ClinGen allele CA062319.

ClinVar aggregate classification (germline): Likely benign (0 of 4 stars; one submission).

Conditions:
RYR1-related disorder. Also called: RYR1-related disorders; RYR1-related condition. Identifiers: MedGen CN239331.

Allele frequency attached by ClinVar (database versions not stated): gnomAD exomes 0.00003 and 0.00008; ExAC 0.00011; ESP Exome Variant Server 0.00023; TOPMed 0.00028; 1000 Genomes Project 30x 0.00031; gnomAD 0.00032 and 0.00037.
gnomAD v4.1: 97 of 1,608,990 alleles (0.006%); highest among the groups gnomAD compares: African/African-American, 0.12%; 1 homozygote.

Submission:

PreventionGenetics, part of Exact Sciences
Classification: Likely benign for RYR1-related condition. Last evaluated: 2023-07-20. Review status: no assertion criteria provided. Collection method: clinical testing. Allele origin: germline.
Comment: This variant is classified as likely benign based on ACMG/AMP sequence variant interpretation guidelines (Richards et al. 2015 PMID: 25741868, with internal and published modifications).